The following is an entry in ClinVar:

NM_020921.4(NIN):c.2416G>A (p.Glu806Lys)

Gene: NIN (ninein; minus strand). Cytogenetic location: 14q22.1.
Variant type: single nucleotide variant.
Coding change: c.2416G>A on transcript NM_020921.4 (MANE Select); coding-DNA position 2416, G replaced by A.
Protein change: p.Glu806Lys; replaces glutamic acid 806 with lysine.
Molecular consequence: missense variant. On other transcripts: intron variant (1).
Genome position (GRCh38, 1-based): chr14:50,758,614, C>T on the plus strand (G>A on the coding strand, the complement: NIN is on the minus strand). VCF-style: chr14-50758614-C-T. GRCh37 (hg19) VCF-style: chr14-51225332-C-T.
Other names: c.2416G>A, p.Glu806Lys (NM_182944.3, NM_182946.2); c.2399+1243G>A (NM_016350.5); short protein forms E806K.
Identifiers: ClinVar variation 3651148 (VCV003651148.2).

ClinVar aggregate classification (germline): Uncertain significance (1 of 4 stars; one submission).

Submission:

Labcorp Genetics (formerly Invitae), Labcorp
Classification: Uncertain significance. Last evaluated: 2024-05-21. Review status: criteria provided, single submitter. Criteria: Invitae Variant Classification Sherloc (09022015). Collection method: clinical testing. Allele origin: germline.
Comment: This sequence change replaces glutamic acid, which is acidic and polar, with lysine, which is basic and polar, at codon 806 of the NIN protein (p.Glu806Lys). This variant is not present in population databases (gnomAD no frequency). This variant has not been reported in the literature in individuals affected with NIN-related conditions. An algorithm developed to predict the effect of missense changes on protein structure and function (PolyPhen-2) suggests that this variant is likely to be disruptive. In summary, the available evidence is currently insufficient to determine the role of this variant in disease. Therefore, it has been classified as a Variant of Uncertain Significance.